The following is an entry in ClinVar:

ClinVar aggregate classification (germline): Uncertain significance (1 of 4 stars; one submission).

Conditions:
Nephronophthisis. Also called: Juvenile Nephronophthisis. Identifiers: Orphanet 655, MedGen C0687120, MONDO:0019005, HP:0000090.

Submission:

Labcorp Genetics (formerly Invitae), Labcorp
Classification: Uncertain significance for Nephronophthisis. Last evaluated: 2025-03-31. Review status: criteria provided, single submitter. Criteria: Invitae Variant Classification Sherloc (09022015). Collection method: clinical testing. Allele origin: germline.
Comment: This sequence change replaces leucine, which is neutral and non-polar, with proline, which is neutral and non-polar, at codon 770 of the NPHP4 protein (p.Leu770Pro). This variant is not present in population databases (gnomAD no frequency). This variant has not been reported in the literature in individuals affected with NPHP4-related conditions. ClinVar contains an entry for this variant (Variation ID: 1716242). Invitae Evidence Modeling of protein sequence and biophysical properties (such as structural, functional, and spatial information, amino acid conservation, physicochemical variation, residue mobility, and thermodynamic stability) indicates that this missense variant is expected to disrupt NPHP4 protein function with a positive predictive value of 80%. In summary, the available evidence is currently insufficient to determine the role of this variant in disease. Therefore, it has been classified as a Variant of Uncertain Significance.

NM_015102.5(NPHP4):c.2309T>C (p.Leu770Pro)

Gene: NPHP4 (nephrocystin 4; minus strand). Cytogenetic location: 1p36.31.
Variant type: single nucleotide variant.
Coding change: c.2309T>C on transcript NM_015102.5 (MANE Select); coding-DNA position 2309, T replaced by C.
Protein change: p.Leu770Pro; replaces leucine 770 with proline.
Molecular consequence: missense variant. On other transcripts: non-coding transcript variant (1).
Genome position (GRCh38, 1-based): chr1:5,887,462, A>G on the plus strand (T>C on the coding strand, the complement: NPHP4 is on the minus strand). VCF-style: chr1-5887462-A-G. GRCh37 (hg19) VCF-style: chr1-5947522-A-G.
Other names: c.770T>C, p.Leu257Pro (NM_001291593.2); c.773T>C, p.Leu258Pro (NM_001291594.2); short protein forms L257P, L258P, L770P.
Identifiers: ClinVar variation 1716242 (VCV001716242.5), dbSNP rs1570251449, ClinGen allele CA338058868.